The following is an entry in ClinVar:

NM_006268.5(DPF2):c.397G>A (p.Ala133Thr)

Gene: DPF2 (double PHD fingers 2; plus strand). Cytogenetic location: 11q13.1.
Variant type: single nucleotide variant.
Coding change: c.397G>A on transcript NM_006268.5 (MANE Select); coding-DNA position 397, G replaced by A.
Protein change: p.Ala133Thr; replaces alanine 133 with threonine.
Molecular consequence: missense variant.
Genome position (GRCh38, 1-based): chr11:65,341,494, G>A. VCF-style: chr11-65341494-G-A. GRCh37 (hg19) VCF-style: chr11-65108965-G-A.
Other names: c.397G>A, p.Ala133Thr (NM_001330308.2); short protein forms A133T.
Identifiers: ClinVar variation 2159142 (VCV002159142.4), dbSNP rs776722476, ClinGen allele CA6095258.

ClinVar aggregate classification (germline): Uncertain significance (1 of 4 stars; one submission).

Allele frequency attached by ClinVar (database versions not stated): ExAC 0.00002.
gnomAD v4.1: 5 of 1,614,114 alleles (0.00031%); highest among the groups gnomAD compares: Non-Finnish European, 0.00042%; no homozygotes.

Submission:

Labcorp Genetics (formerly Invitae), Labcorp
Classification: Uncertain significance. Last evaluated: 2022-06-22. Review status: criteria provided, single submitter. Criteria: Invitae Variant Classification Sherloc (09022015). Collection method: clinical testing. Allele origin: germline.
Comment: This sequence change replaces alanine, which is neutral and non-polar, with threonine, which is neutral and polar, at codon 133 of the DPF2 protein (p.Ala133Thr). This variant is present in population databases (rs776722476, gnomAD 0.004%). This variant has not been reported in the literature in individuals affected with DPF2-related conditions. Algorithms developed to predict the effect of missense changes on protein structure and function (SIFT, PolyPhen-2, Align-GVGD) all suggest that this variant is likely to be tolerated. In summary, the available evidence is currently insufficient to determine the role of this variant in disease. Therefore, it has been classified as a Variant of Uncertain Significance.